The following is an entry in ClinVar:

ClinVar aggregate classification (germline): Likely benign. Review status: criteria provided, multiple submitters, no conflicts (2 of 4 stars). 2 submissions from 2 submitters: Likely benign (2). Last evaluated 2023-03-23.

Conditions:
Primary familial hypertrophic cardiomyopathy (HCM). Identifiers: Orphanet 99739, MedGen C0949658, MeSH D024741, MONDO:0024573. Inheritance: Various modes of inheritance.

Allele frequency attached by ClinVar (database versions not stated): ExAC 0.00001; gnomAD 0.00001; gnomAD exomes 0.00002.
gnomAD v4.1: 26 of 1,613,898 alleles (0.0016%); highest among the groups gnomAD compares: East Asian, 0.013%; no homozygotes.

Submissions (2):

Labcorp Genetics (formerly Invitae), Labcorp
Classification: Likely benign for Primary familial hypertrophic cardiomyopathy. Last evaluated: 2023-03-23. Review status: criteria provided, single submitter. Criteria: Invitae Variant Classification Sherloc (09022015). Collection method: clinical testing. Allele origin: germline.

GeneDx
Classification: Likely benign. Last evaluated: 2016-10-31. Review status: criteria provided, single submitter. Criteria: GeneDx Variant Classification (06012015). Collection method: clinical testing. Allele origin: germline. Affected: yes.
Comment: This variant is considered likely benign or benign based on one or more of the following criteria: it is a conservative change, it occurs at a poorly conserved position in the protein, it is predicted to be benign by multiple in silico algorithms, and/or has population frequency not consistent with disease.

NM_004517.4(ILK):c.600C>T (p.Asn200=)

Genes: TAF10 (TATA-box binding protein associated factor 10; minus strand), ILK (integrin linked kinase; plus strand). Cytogenetic location: 11p15.4.
Variant type: single nucleotide variant.
Coding change: c.600C>T on transcript NM_004517.4 (MANE Select); coding-DNA position 600, C replaced by T.
Protein change: p.Asn200=; no amino-acid change (asparagine 200 retained).
Molecular consequence: synonymous variant. On other transcripts: intron variant (1), 3 prime UTR variant (1).
Genome position (GRCh38, 1-based): chr11:6,609,138, C>T. VCF-style: chr11-6609138-C-T. GRCh37 (hg19) VCF-style: chr11-6630369-C-T.
Other names: c.436-161C>T (NM_001278441.2); c.600C>T, p.Asn200= (NM_001014794.3, NM_001014795.3); c.198C>T, p.Asn66= (NM_001278442.2); c.*1784G>A (NM_006284.4).
Identifiers: ClinVar variation 390027 (VCV000390027.9), dbSNP rs760482273, ClinGen allele CA5858109.